The following is an entry in ClinVar:

NM_001394998.1(TANC2):c.1692G>C (p.Glu564Asp)

Gene: TANC2 (tetratricopeptide repeat, ankyrin repeat and coiled-coil containing 2; plus strand). Cytogenetic location: 17q23.3.
Variant type: single nucleotide variant.
Coding change: c.1692G>C on transcript NM_001394998.1 (MANE Select); coding-DNA position 1692, G replaced by C.
Protein change: p.Glu564Asp; replaces glutamic acid 564 with aspartic acid.
Molecular consequence: missense variant.
Genome position (GRCh38, 1-based): chr17:63,340,217, G>C. VCF-style: chr17-63340217-G-C. GRCh37 (hg19) VCF-style: chr17-61417578-G-C.
Other names: c.1470G>C, p.Glu490Asp (NM_001411076.1, NM_025185.4); short protein forms E490D, E564D.
Identifiers: ClinVar variation 3389183 (VCV003389183.14).

ClinVar aggregate classification (germline): Likely benign (1 of 4 stars; one submission).

gnomAD v4.1: 4 of 1,613,936 alleles (0.00025%); highest among the groups gnomAD compares: Non-Finnish European, 0.00025%; no homozygotes.

Submission:

CeGaT Center for Human Genetics Tuebingen
Classification: Likely benign. Last evaluated: 2024-10-01. Review status: criteria provided, single submitter. Criteria: CeGaT Center For Human Genetics Tuebingen Variant Classification Criteria Version 2. Collection method: clinical testing. Allele origin: germline. Affected: yes. Observed: 1 variant allele.
Comment: TANC2: BP1